The following is an entry in ClinVar:

ClinVar aggregate classification (germline): Uncertain significance. Review status: criteria provided, multiple submitters, no conflicts (2 of 4 stars). 3 submissions from 3 submitters: Uncertain significance (3). Last evaluated 2025-10-07.

Conditions:
Malignant hyperthermia, susceptibility to, 1 (MHS1). Also called: Anesthesia related hyperthermia; Malignant hyperpyrexia; Fulminating hyperpyrexia; Pharmacogenic myopathy; RYR1-Related Malignant Hyperthermia Susceptibility; Malignant hyperthermia suceptibility 1. Identifiers: Orphanet 423, MedGen C2930980, MONDO:0007783, OMIM 145600.
RYR1-related disorder. Also called: RYR1-related condition; RYR1-related disorders. Identifiers: MedGen CN239331.

Allele frequency attached by ClinVar (database versions not stated): TOPMed below 0.00001; ExAC 0.00001.
gnomAD v4.1: 2 of 1,614,052 alleles (0.00012%); highest among the groups gnomAD compares: South Asian, 0.0011%; no homozygotes.

Submissions (3):

Labcorp Genetics (formerly Invitae), Labcorp
Classification: Uncertain significance for RYR1-related disorder. Last evaluated: 2025-10-07. Review status: criteria provided, single submitter. Criteria: Invitae Variant Classification Sherloc (09022015). Collection method: clinical testing. Allele origin: germline.
Comment: This sequence change replaces arginine, which is basic and polar, with cysteine, which is neutral and slightly polar, at codon 3582 of the RYR1 protein (p.Arg3582Cys). This variant is present in population databases (rs768065730, gnomAD 0.003%). This variant has not been reported in the literature in individuals affected with RYR1-related conditions. ClinVar contains an entry for this variant (Variation ID: 3071600). Invitae Evidence Modeling of protein sequence and biophysical properties (such as structural, functional, and spatial information, amino acid conservation, physicochemical variation, residue mobility, and thermodynamic stability) indicates that this missense variant is not expected to disrupt RYR1 protein function with a negative predictive value of 80%. In summary, the available evidence is currently insufficient to determine the role of this variant in disease. Therefore, it has been classified as a Variant of Uncertain Significance.

All of Us Research Program, National Institutes of Health
Classification: Uncertain significance for Malignant hyperthermia, susceptibility to, 1. Last evaluated: 2023-06-08. Review status: criteria provided, single submitter. Criteria: ACMG Guidelines, 2015. Collection method: clinical testing. Allele origin: germline. Inheritance: Autosomal dominant inheritance. Observed: 1 variant allele, 1 heterozygote.
Comment: This missense variant replaces arginine with cysteine at codon 3582 of the RYR1 protein. Computational prediction is inconclusive regarding the impact of this variant on protein structure and function (internally defined REVEL score threshold 0.5 < inconclusive < 0.7, PMID: 27666373). To our knowledge, functional studies have not been reported for this variant. This variant has not been reported in individuals affected with RYR1-related disorders in the literature. This variant has been identified in 1/251140 chromosomes in the general population by the Genome Aggregation Database (gnomAD). The available evidence is insufficient to determine the role of this variant in disease conclusively. Therefore, this variant is classified as a Variant of Uncertain Significance.

This study involves interpretation of variants in research participants for the purpose of population health screening. Participant phenotype was not available at the time of variant classification. Additional details can be found in publication PMID: 35346344, PMCID: PMC8962531

Color Diagnostics, LLC DBA Color Health
Classification: Uncertain significance for Malignant hyperthermia, susceptibility to, 1. Last evaluated: 2023-05-23. Review status: criteria provided, single submitter. Criteria: ACMG Guidelines, 2015. Collection method: clinical testing. Allele origin: germline.
Comment: This missense variant replaces arginine with cysteine at codon 3582 of the RYR1 protein. Computational prediction is inconclusive regarding the impact of this variant on protein structure and function. To our knowledge, functional studies have not been reported for this variant. This variant has not been reported in individuals affected with RYR1-related disorders in the literature. This variant has been identified in 1/251140 chromosomes in the general population by the Genome Aggregation Database (gnomAD). The available evidence is insufficient to determine the role of this variant in disease conclusively. Therefore, this variant is classified as a Variant of Uncertain Significance.

NM_000540.3(RYR1):c.10744C>T (p.Arg3582Cys)

Gene: RYR1 (ryanodine receptor 1; plus strand). Cytogenetic location: 19q13.2.
Variant type: single nucleotide variant.
Coding change: c.10744C>T on transcript NM_000540.3 (MANE Select); coding-DNA position 10744, C replaced by T.
Protein change: p.Arg3582Cys; replaces arginine 3582 with cysteine.
Molecular consequence: missense variant.
Genome position (GRCh38, 1-based): chr19:38,527,704, C>T. VCF-style: chr19-38527704-C-T. GRCh37 (hg19) VCF-style: chr19-39018344-C-T.
Other names: c.10729C>T, p.Arg3577Cys (NM_001042723.2); short protein forms R3577C, R3582C.
Identifiers: ClinVar variation 3071600 (VCV003071600.2), dbSNP rs768065730, ClinGen allele CA054592.